The following is an entry in ClinVar:

ClinVar aggregate classification (germline): Uncertain significance. Review status: criteria provided, multiple submitters, no conflicts (2 of 4 stars). 7 submissions from 7 submitters: Uncertain significance (6). 1 of the submissions does not count toward it. Last evaluated 2026-04-23.

Conditions:
CDH23-related disorder. Also called: CDH23-related condition; CDH23-related disorders.
Pituitary adenoma 5, multiple types. Identifiers: MedGen C4539685, MONDO:0054601, OMIM 617540.
Autosomal recessive nonsyndromic hearing loss 12. Also called: DEAFNESS, AUTOSOMAL RECESSIVE 12. Identifiers: Orphanet 90636, MedGen C1832394, MONDO:0011067, OMIM 601386.
Usher syndrome type 1D (USH1D). Also called: USHER SYNDROME, TYPE ID. Identifiers: Orphanet 231169, Orphanet 886, MedGen C1832845, MONDO:0010984, OMIM 601067.
Inborn genetic diseases. Identifiers: MedGen C0950123, MeSH D030342.
Usher syndrome type 1 (USH1). Also called: RETINITIS PIGMENTOSA AND CONGENITAL DEAFNESS. Identifiers: Orphanet 231169, Orphanet 886, MedGen C1568247, MONDO:0010168, OMIM 276900.

Allele frequency attached by ClinVar (database versions not stated): TOPMed 0.00004; 1000 Genomes Project 30x 0.00016; 1000 Genomes Project 0.00020.
gnomAD v4.1: 88 of 1,612,536 alleles (0.0055%); highest among the groups gnomAD compares: Middle Eastern, 0.066%; no homozygotes.

Submissions (7):

PreventionGenetics, part of Exact Sciences
Classification: Uncertain significance for CDH23-related condition. Last evaluated: 2026-04-23. Review status: criteria provided, single submitter. Criteria: ACMG Guidelines, 2015. Collection method: clinical testing. Allele origin: germline.
Comment: The CDH23 c.8498G>A variant is predicted to result in the amino acid substitution p.Arg2833His. To our knowledge, this variant has not been reported in the literature. This variant is reported in 0.016% of alleles in individuals of European (Non-Finnish) descent in gnomAD. At this time, the clinical significance of this variant is uncertain due to the absence of conclusive functional and genetic evidence.

GeneDx
Classification: Uncertain significance. Last evaluated: 2025-09-08. Review status: criteria provided, single submitter. Criteria: GeneDx Variant Classification Process June 2021. Collection method: clinical testing. Allele origin: germline. Affected: yes.
Comment: In silico analysis suggests that this missense variant does not alter protein structure/function; Has not been previously published as pathogenic or benign to our knowledge

Labcorp Genetics (formerly Invitae), Labcorp
Classification: Uncertain significance. Last evaluated: 2024-10-26. Review status: criteria provided, single submitter. Criteria: Invitae Variant Classification Sherloc (09022015). Collection method: clinical testing. Allele origin: germline.
Comment: This sequence change replaces arginine, which is basic and polar, with histidine, which is basic and polar, at codon 2833 of the CDH23 protein (p.Arg2833His). This variant is present in population databases (rs534575559, gnomAD 0.02%). This variant has not been reported in the literature in individuals affected with CDH23-related conditions. ClinVar contains an entry for this variant (Variation ID: 864613). An algorithm developed to predict the effect of missense changes on protein structure and function outputs the following: PolyPhen-2: "Not Available". The histidine amino acid residue is found in multiple mammalian species, which suggests that this missense change does not adversely affect protein function. In summary, the available evidence is currently insufficient to determine the role of this variant in disease. Therefore, it has been classified as a Variant of Uncertain Significance.

Blueprint Genetics
Classification: Uncertain significance. Last evaluated: 2024-10-11. Review status: criteria provided, single submitter. Criteria: ACMG Guidelines, 2015. Collection method: clinical testing. Allele origin: germline.

Ambry Genetics
Classification: Uncertain significance for Inborn genetic diseases. Last evaluated: 2021-10-20. Review status: criteria provided, single submitter. Criteria: Ambry Variant Classification Scheme 2023. Collection method: clinical testing. Allele origin: germline.

Fulgent Genetics
Classification: Uncertain significance for Usher syndrome type 1D; Autosomal recessive nonsyndromic hearing loss 12; Pituitary adenoma 5, multiple types. Last evaluated: 2021-09-22. Review status: criteria provided, single submitter. Criteria: ACMG Guidelines, 2015. Collection method: clinical testing. Allele origin: unknown.

Natera, Inc.
Classification: Uncertain significance for Usher syndrome type 1. Last evaluated: 2020-02-26. Review status: no assertion criteria provided. Collection method: clinical testing. Allele origin: germline. Not counted in ClinVar's aggregate classification.

NM_022124.6(CDH23):c.8498G>A (p.Arg2833His)

Gene: CDH23 (cadherin related 23; plus strand). Cytogenetic location: 10q22.1.
Variant type: single nucleotide variant.
Coding change: c.8498G>A on transcript NM_022124.6 (MANE Select); coding-DNA position 8498, G replaced by A.
Protein change: p.Arg2833His; replaces arginine 2833 with histidine.
Molecular consequence: missense variant.
Genome position (GRCh38, 1-based): chr10:71,807,705, G>A. VCF-style: chr10-71807705-G-A. GRCh37 (hg19) VCF-style: chr10-73567462-G-A.
Other names: c.1778G>A, p.Arg593His (NM_001171933.1, NM_001171934.1); short protein forms R2833H, R593H.
Identifiers: ClinVar variation 864613 (VCV000864613.13), dbSNP rs534575559, ClinGen allele CA5546666.
Genomic context (GRCh38, chr10:71,807,705, plus strand): 5'-CTCCCCGTGGACCCTCCCCAACCCTCGACCTGGTTGCTGACCTCACACTGCAGGAGGTGC[G>A]CGTTGTGCTAGAGGACATCAACGACCAGCCACCACGCTTCACCAAGGCTGAGTACACTGC-3'
Protein context (NP_071407.4, residues 2823-2843): LVADLTLQEV[Arg2833His]VVLEDINDQP